The following is an entry in ClinVar:

NM_018089.3(ANKZF1):c.1837C>T (p.Arg613Trp)

Gene: ANKZF1 (ankyrin repeat and zinc finger peptidyl tRNA hydrolase 1; plus strand). Cytogenetic location: 2q35.
Variant type: single nucleotide variant.
Coding change: c.1837C>T on transcript NM_018089.3 (MANE Select); coding-DNA position 1837, C replaced by T.
Protein change: p.Arg613Trp; replaces arginine 613 with tryptophan.
Molecular consequence: missense variant.
Genome position (GRCh38, 1-based): chr2:219,235,741, C>T. VCF-style: chr2-219235741-C-T. GRCh37 (hg19) VCF-style: chr2-220100463-C-T.
Other names: c.1837C>T, p.Arg613Trp (NM_001042410.2); c.1207C>T, p.Arg403Trp (NM_001282792.2); short protein forms R403W, R613W.
Identifiers: ClinVar variation 2901154 (VCV002901154.3), dbSNP rs76130952, ClinGen allele CA2121205.
Genomic context (GRCh38, chr2:219,235,741, plus strand): 5'-TAGGGTCTTATATTTGAAATCCTCCAGGTGCCAGGACCATTGACACCAGAAATGGAGGCA[C>T]GGCAGGCTACACGGAAAAGGGAGCAGAAGGCAGCCCGGCGGCAACGGGAGGAACAGCAGC-3'
Protein context (NP_060559.2, residues 603-623): PGPLTPEMEA[Arg613Trp]QATRKREQKA

ClinVar aggregate classification (germline): Uncertain significance (1 of 4 stars; one submission).

Allele frequency attached by ClinVar (database versions not stated): 1000 Genomes Project 30x 0.00016; 1000 Genomes Project 0.00020; ExAC 0.00002.
gnomAD v4.1: 27 of 1,614,112 alleles (0.0017%); highest among the groups gnomAD compares: South Asian, 0.0044%; no homozygotes.

Submission:

Labcorp Genetics (formerly Invitae), Labcorp
Classification: Uncertain significance. Last evaluated: 2025-04-07. Review status: criteria provided, single submitter. Criteria: Invitae Variant Classification Sherloc (09022015). Collection method: clinical testing. Allele origin: germline.
Comment: This sequence change replaces arginine, which is basic and polar, with tryptophan, which is neutral and slightly polar, at codon 613 of the ANKZF1 protein (p.Arg613Trp). This variant is present in population databases (rs76130952, gnomAD 0.004%). This variant has not been reported in the literature in individuals affected with ANKZF1-related conditions. ClinVar contains an entry for this variant (Variation ID: 2901154). An algorithm developed to predict the effect of missense changes on protein structure and function (PolyPhen-2) suggests that this variant is likely to be disruptive. In summary, the available evidence is currently insufficient to determine the role of this variant in disease. Therefore, it has been classified as a Variant of Uncertain Significance.